The following is an entry in ClinVar:

NM_002206.3(ITGA7):c.2580C>G (p.Phe860Leu)

Gene: ITGA7 (integrin subunit alpha 7; minus strand). Cytogenetic location: 12q13.2.
Variant type: single nucleotide variant.
Coding change: c.2580C>G on transcript NM_002206.3 (MANE Select); coding-DNA position 2580, C replaced by G.
Protein change: p.Phe860Leu; replaces phenylalanine 860 with leucine.
Molecular consequence: missense variant.
Genome position (GRCh38, 1-based): chr12:55,693,273, G>C on the plus strand (C>G on the coding strand, the complement: ITGA7 is on the minus strand). VCF-style: chr12-55693273-G-C. GRCh37 (hg19) VCF-style: chr12-56087057-G-C.
Other names: c.2592C>G, p.Phe864Leu (NM_001144996.2); c.2301C>G, p.Phe767Leu (NM_001144997.2); c.2253C>G, p.Phe751Leu (NM_001367993.1); c.1236C>G, p.Phe412Leu (NM_001367994.1); c.2562C>G, p.Phe854Leu (NM_001374465.1); c.2712C>G, p.Phe904Leu (NM_001410977.1); c.2574C>G, p.Phe858Leu (NM_001414029.1); c.2505C>G, p.Phe835Leu (NM_001414030.1); and 5 more; short protein forms F412L, F854L, F860L, F864L, F751L, F767L, F904L, F820L.
Identifiers: ClinVar variation 1389230 (VCV001389230.5), dbSNP rs771755133, ClinGen allele CA6615528.

ClinVar aggregate classification (germline): Uncertain significance. Review status: criteria provided, multiple submitters, no conflicts (2 of 4 stars). 2 submissions from 2 submitters: Uncertain significance (2). Last evaluated 2024-05-16.

Conditions:
Congenital muscular dystrophy due to integrin alpha-7 deficiency. Also called: MYOPATHY, CONGENITAL, DUE TO INTEGRIN ALPHA-7 DEFICIENCY; Congenital muscular dystrophy with integrin alpha-7 deficiency; Muscular dystrophy, congenital, due to ITGA7 deficiency. Identifiers: Orphanet 34520, MedGen C2750786, MONDO:0013177, OMIM 613204.

Allele frequency attached by ClinVar (database versions not stated): TOPMed 0.00001.
gnomAD v4.1: 11 of 1,614,144 alleles (0.00068%); highest among the groups gnomAD compares: Admixed American, 0.013%; no homozygotes.

Submissions (2):

Revvity Omics, Revvity
Classification: Uncertain significance for Congenital muscular dystrophy due to integrin alpha-7 deficiency. Last evaluated: 2024-05-16. Review status: criteria provided, single submitter. Criteria: ACMG Guidelines, 2015. Collection method: clinical testing. Allele origin: germline.

Labcorp Genetics (formerly Invitae), Labcorp
Classification: Uncertain significance for Congenital muscular dystrophy due to integrin alpha-7 deficiency. Last evaluated: 2022-10-25. Review status: criteria provided, single submitter. Criteria: Invitae Variant Classification Sherloc (09022015). Collection method: clinical testing. Allele origin: germline.
Comment: In summary, the available evidence is currently insufficient to determine the role of this variant in disease. Therefore, it has been classified as a Variant of Uncertain Significance. Advanced modeling of protein sequence and biophysical properties (such as structural, functional, and spatial information, amino acid conservation, physicochemical variation, residue mobility, and thermodynamic stability) performed at Invitae indicates that this missense variant is not expected to disrupt ITGA7 protein function. ClinVar contains an entry for this variant (Variation ID: 1389230). This variant has not been reported in the literature in individuals affected with ITGA7-related conditions. This variant is present in population databases (rs771755133, gnomAD 0.02%). This sequence change replaces phenylalanine, which is neutral and non-polar, with leucine, which is neutral and non-polar, at codon 860 of the ITGA7 protein (p.Phe860Leu).